The following is an entry in ClinVar:

ClinVar aggregate classification (germline): Likely benign. Review status: criteria provided, multiple submitters, no conflicts (2 of 4 stars). 2 submissions from 2 submitters: Likely benign (2). Last evaluated 2025-12-15.

Conditions:
X-linked myopathy with postural muscle atrophy. Also called: FHL1-Related Emery-Dreifuss Muscular Dystrophy, X-Linked. Identifiers: Orphanet 178461, MedGen C2678055, MONDO:0010401, OMIM 300696.

Allele frequency attached by ClinVar (database versions not stated): ExAC 0.00001; gnomAD 0.00001; gnomAD exomes 0.00001 and 0.00002; TOPMed 0.00001.
gnomAD v4.1: 12 of 1,193,491 alleles (0.001%); highest among the groups gnomAD compares: South Asian, 0.0018%; no homozygotes.

Submissions (2):

Labcorp Genetics (formerly Invitae), Labcorp
Classification: Likely benign for X-linked myopathy with postural muscle atrophy. Last evaluated: 2025-12-15. Review status: criteria provided, single submitter. Criteria: Invitae Variant Classification Sherloc (09022015). Collection method: clinical testing. Allele origin: germline.

GeneDx
Classification: Likely benign. Last evaluated: 2016-05-06. Review status: criteria provided, single submitter. Criteria: GeneDx Variant Classification (06012015). Collection method: clinical testing. Allele origin: germline. Affected: yes.
Comment: This variant is considered likely benign or benign based on one or more of the following criteria: it is a conservative change, it occurs at a poorly conserved position in the protein, it is predicted to be benign by multiple in silico algorithms, and/or has population frequency not consistent with disease.

NM_001159699.2(FHL1):c.736+18T>C

Gene: FHL1 (four and a half LIM domains 1; plus strand). Cytogenetic location: Xq26.3.
Variant type: single nucleotide variant.
Coding change: c.736+18T>C on transcript NM_001159699.2 (MANE Select); 18 bases into the intron after coding-DNA position 736, T replaced by C.
Molecular consequence: intron variant.
Genome position (GRCh38, 1-based): chrX:136,208,659, T>C. VCF-style: chrX-136208659-T-C. GRCh37 (hg19) VCF-style: chrX-135290818-T-C.
Other names: c.688+18T>C (NM_001167819.1, NM_001369331.1, NM_001159702.3 and 8 more transcripts); c.775+18T>C (NM_001159701.2); c.549+698T>C (NM_001330659.2); c.501+698T>C (NM_001159703.2).
Identifiers: ClinVar variation 385723 (VCV000385723.8), dbSNP rs774416768, ClinGen allele CA10525056.